The following is an entry in ClinVar:

NM_144573.4(NEXN):c.242A>T (p.Asp81Val)

Gene: NEXN (nexilin F-actin binding protein; plus strand). Cytogenetic location: 1p31.1.
Variant type: single nucleotide variant.
Coding change: c.242A>T on transcript NM_144573.4 (MANE Select); coding-DNA position 242, A replaced by T.
Protein change: p.Asp81Val; replaces aspartic acid 81 with valine.
Molecular consequence: missense variant.
Genome position (GRCh38, 1-based): chr1:77,917,982, A>T. VCF-style: chr1-77917982-A-T. GRCh37 (hg19) VCF-style: chr1-78383667-A-T.
Other names: p.D81V:GAT>GTT; c.50A>T, p.Asp17Val (NM_001172309.2); short protein forms D81V, D17V.
Identifiers: ClinVar variation 201915 (VCV000201915.17), dbSNP rs367871780, ClinGen allele CA335385.

ClinVar aggregate classification (germline): Conflicting classifications of pathogenicity. Review status: criteria provided, conflicting classifications (1 of 4 stars). 6 submissions from 6 submitters: Uncertain significance (4); Likely benign (1). 1 of the submissions does not count toward it. Last evaluated 2025-06-24.

Conditions:
Cardiovascular phenotype. Identifiers: MedGen CN230736.
Hypertrophic cardiomyopathy 20. Identifiers: MedGen C3151267, MONDO:0013477, OMIM 613876.
Dilated cardiomyopathy 1CC (CMD1CC). Identifiers: Orphanet 154, MedGen C2751084, MONDO:0013147, OMIM 613122.
Left ventricular hypertrophy. Identifiers: MedGen C0149721, HP:0001712.

Allele frequency attached by ClinVar (database versions not stated): ExAC 0.00002; gnomAD exomes 0.00002 and 0.00004; gnomAD 0.00024 and 0.00028; TOPMed 0.00024; ESP Exome Variant Server 0.00026.
gnomAD v4.1: 68 of 1,613,170 alleles (0.0042%); highest among the groups gnomAD compares: African/African-American, 0.087%; no homozygotes.

Submissions (6):

GeneDx
Classification: Uncertain significance. Last evaluated: 2025-06-24. Review status: criteria provided, single submitter. Criteria: GeneDx Variant Classification Process June 2021. Collection method: clinical testing. Allele origin: germline. Affected: yes.
Comment: In silico analysis suggests that this missense variant does not alter protein structure/function; This variant is associated with the following publications: (PMID: 32579932, 33029862)

Molecular Diagnostic Laboratory for Inherited Cardiovascular Disease, Montreal Heart Institute
Classification: Uncertain significance for Cardiovascular phenotype. Last evaluated: 2025-04-09. Review status: criteria provided, single submitter. Criteria: ACMG Guidelines, 2015. Collection method: clinical testing. Allele origin: germline. Affected: yes.
Comment: BS1

Labcorp Genetics (formerly Invitae), Labcorp
Classification: Uncertain significance for Dilated cardiomyopathy 1CC; Hypertrophic cardiomyopathy 20. Last evaluated: 2025-01-28. Review status: criteria provided, single submitter. Criteria: Invitae Variant Classification Sherloc (09022015). Collection method: clinical testing. Allele origin: germline.
Comment: This sequence change replaces aspartic acid, which is acidic and polar, with valine, which is neutral and non-polar, at codon 81 of the NEXN protein (p.Asp81Val). This variant is present in population databases (rs367871780, gnomAD 0.06%). This variant has not been reported in the literature in individuals affected with NEXN-related conditions. ClinVar contains an entry for this variant (Variation ID: 201915). Invitae Evidence Modeling of protein sequence and biophysical properties (such as structural, functional, and spatial information, amino acid conservation, physicochemical variation, residue mobility, and thermodynamic stability) indicates that this missense variant is not expected to disrupt NEXN protein function with a negative predictive value of 80%. In summary, the available evidence is currently insufficient to determine the role of this variant in disease. Therefore, it has been classified as a Variant of Uncertain Significance.

Ambry Genetics
Classification: Uncertain significance for Cardiovascular phenotype. Last evaluated: 2024-11-13. Review status: criteria provided, single submitter. Criteria: Ambry Variant Classification Scheme 2023. Collection method: clinical testing. Allele origin: germline.

Laboratory for Molecular Medicine, Mass General Brigham Personalized Medicine
Classification: Likely benign. Last evaluated: 2019-04-17. Review status: criteria provided, single submitter. Criteria: LMM Criteria. Collection method: clinical testing. Allele origin: germline. Observed: 1 variant allele.
Comment: The p.Asp81Val variant in NEXN is classified as likely benign because it has been identified in 0.06% (15/24194) of African chromosomes by gnomAD. ACMG/AMP Criteria applied: BS1.

Clinical Molecular Genetics Laboratory, Johns Hopkins All Children's Hospital
Classification: Uncertain significance for Left ventricular hypertrophy. Last evaluated: 2015-11-25. Review status: no assertion criteria provided. Collection method: clinical testing. Allele origin: germline. Affected: yes. Not counted in ClinVar's aggregate classification.